The following is an entry in ClinVar:

ClinVar aggregate classification (germline): Uncertain significance. Review status: criteria provided, multiple submitters, no conflicts (2 of 4 stars). 7 submissions from 7 submitters: Uncertain significance (5). 2 of the submissions do not count toward it. Last evaluated 2024-08-01.

Conditions:
HADHA-related disorder. Also called: HADHA-related condition; HADHA-related disorders.
Mitochondrial trifunctional protein deficiency. Identifiers: Orphanet 746, MedGen C1969443, MONDO:0012172.
Long chain 3-hydroxyacyl-CoA dehydrogenase deficiency. Also called: LCHAD Deficiency; Deficiency of long-chain 3-hydroxyacyl-coenzyme A dehydrogenase. Identifiers: Orphanet 5, MedGen C3711645, MONDO:0012173, OMIM 609016.

Allele frequency attached by ClinVar (database versions not stated): TOPMed 0.00020; ESP Exome Variant Server 0.00031.
gnomAD v4.1: 448 of 1,585,192 alleles (0.028%); highest among the groups gnomAD compares: Non-Finnish European, 0.036%; no homozygotes.

Submissions (7):

CeGaT Center for Human Genetics Tuebingen
Classification: Uncertain significance. Last evaluated: 2024-08-01. Review status: criteria provided, single submitter. Criteria: CeGaT Center For Human Genetics Tuebingen Variant Classification Criteria Version 2. Collection method: clinical testing. Allele origin: germline. Affected: yes. Observed: 1 variant allele.
Comment: HADHA: PM2

Labcorp Genetics (formerly Invitae), Labcorp
Classification: Uncertain significance for Mitochondrial trifunctional protein deficiency; Long chain 3-hydroxyacyl-CoA dehydrogenase deficiency. Last evaluated: 2022-04-20. Review status: criteria provided, single submitter. Criteria: Invitae Variant Classification Sherloc (09022015). Collection method: clinical testing. Allele origin: germline.
Comment: This sequence change replaces alanine, which is neutral and non-polar, with proline, which is neutral and non-polar, at codon 6 of the HADHA protein (p.Ala6Pro). This variant is present in population databases (rs150565988, gnomAD 0.03%). This variant has not been reported in the literature in individuals affected with HADHA-related conditions. ClinVar contains an entry for this variant (Variation ID: 335390). Advanced modeling of protein sequence and biophysical properties (such as structural, functional, and spatial information, amino acid conservation, physicochemical variation, residue mobility, and thermodynamic stability) performed at Invitae indicates that this missense variant is not expected to disrupt HADHA protein function. In summary, the available evidence is currently insufficient to determine the role of this variant in disease. Therefore, it has been classified as a Variant of Uncertain Significance.

GeneDx
Classification: Uncertain significance. Last evaluated: 2022-03-01. Review status: criteria provided, single submitter. Criteria: GeneDx Variant Classification Process June 2021. Collection method: clinical testing. Allele origin: germline. Affected: yes.
Comment: Has not been previously published as pathogenic or benign to our knowledge; In silico analysis supports that this missense variant does not alter protein structure/function

Mayo Clinic Laboratories, Mayo Clinic
Classification: Uncertain significance. Last evaluated: 2020-07-31. Review status: criteria provided, single submitter. Criteria: ACMG Guidelines, 2015. Collection method: clinical testing. Allele origin: germline. Observed: 1 variant allele.

Illumina Laboratory Services, Illumina
Classification: Uncertain significance for Long chain 3-hydroxyacyl-CoA dehydrogenase deficiency. Last evaluated: 2018-01-13. Review status: criteria provided, single submitter. Criteria: ICSL Variant Classification Criteria 13 December 2019. Collection method: clinical testing. Allele origin: germline.

PreventionGenetics, part of Exact Sciences
Classification: Uncertain significance for HADHA-related condition. Last evaluated: 2024-08-13. Review status: no assertion criteria provided. Collection method: clinical testing. Allele origin: germline. Not counted in ClinVar's aggregate classification.
Comment: The HADHA c.16G>C variant is predicted to result in the amino acid substitution p.Ala6Pro. To our knowledge, this variant has not been reported in the literature. This variant is reported in 0.028% of alleles in individuals of European (Non-Finnish) descent in gnomAD. At this time, the clinical significance of this variant is uncertain due to the absence of conclusive functional and genetic evidence.

Natera, Inc.
Classification: Uncertain significance for Deficiency of long-chain 3-hydroxyacyl-coenzyme A dehydrogenase. Last evaluated: 2019-10-28. Review status: no assertion criteria provided. Collection method: clinical testing. Allele origin: germline. Not counted in ClinVar's aggregate classification.

NM_000182.5(HADHA):c.16G>C (p.Ala6Pro)

Genes: HADHA (hydroxyacyl-CoA dehydrogenase trifunctional multienzyme complex subunit alpha; minus strand), HADHB (hydroxyacyl-CoA dehydrogenase trifunctional multienzyme complex subunit beta; plus strand). Cytogenetic location: 2p23.3.
Variant type: single nucleotide variant.
Coding change: c.16G>C on transcript NM_000182.5 (MANE Select); coding-DNA position 16, G replaced by C.
Protein change: p.Ala6Pro; replaces alanine 6 with proline.
Molecular consequence: missense variant.
Genome position (GRCh38, 1-based): chr2:26,244,581, C>G on the plus strand (G>C on the coding strand, the complement: HADHA is on the minus strand). VCF-style: chr2-26244581-C-G. GRCh37 (hg19) VCF-style: chr2-26467449-C-G.
Other names: short protein forms A6P.
Identifiers: ClinVar variation 335390 (VCV000335390.41), dbSNP rs150565988, ClinGen allele CA1560015.